The following is an entry in ClinVar:

ClinVar aggregate classification (germline): Uncertain significance. Review status: criteria provided, multiple submitters, no conflicts (2 of 4 stars). 2 submissions from 2 submitters: Uncertain significance (2). Last evaluated 2024-10-25.

Conditions:
Trichohepatoenteric syndrome 2 (THES2). Identifiers: Orphanet 84064, MedGen C3281289, MONDO:0013818, OMIM 614602.

Allele frequency attached by ClinVar (database versions not stated): TOPMed below 0.00001; gnomAD exomes 0.00002 and 0.00003; ExAC 0.00003.
gnomAD v4.1: 37 of 1,612,998 alleles (0.0023%); highest among the groups gnomAD compares: Middle Eastern, 0.099%; no homozygotes.

Submissions (2):

Labcorp Genetics (formerly Invitae), Labcorp
Classification: Uncertain significance. Last evaluated: 2024-10-25. Review status: criteria provided, single submitter. Criteria: Invitae Variant Classification Sherloc (09022015). Collection method: clinical testing. Allele origin: germline.
Comment: This sequence change replaces arginine, which is basic and polar, with tryptophan, which is neutral and slightly polar, at codon 690 of the SKIV2L protein (p.Arg690Trp). This variant is present in population databases (rs751980634, gnomAD 0.005%). This variant has not been reported in the literature in individuals affected with SKIV2L-related conditions. ClinVar contains an entry for this variant (Variation ID: 356333). An algorithm developed to predict the effect of missense changes on protein structure and function (PolyPhen-2) suggests that this variant is likely to be disruptive. In summary, the available evidence is currently insufficient to determine the role of this variant in disease. Therefore, it has been classified as a Variant of Uncertain Significance.

Illumina Laboratory Services, Illumina
Classification: Uncertain significance for Trichohepatoenteric syndrome 2. Last evaluated: 2018-01-13. Review status: criteria provided, single submitter. Criteria: ICSL Variant Classification Criteria 13 December 2019. Collection method: clinical testing. Allele origin: germline.

NM_006929.5(SKIC2):c.2068C>T (p.Arg690Trp)

Gene: SKIC2 (SKI2 subunit of superkiller complex; plus strand). Cytogenetic location: 6p21.33.
Variant type: single nucleotide variant.
Coding change: c.2068C>T on transcript NM_006929.5 (MANE Select); coding-DNA position 2068, C replaced by T.
Protein change: p.Arg690Trp; replaces arginine 690 with tryptophan.
Molecular consequence: missense variant.
Genome position (GRCh38, 1-based): chr6:31,965,879, C>T. VCF-style: chr6-31965879-C-T. GRCh37 (hg19) VCF-style: chr6-31933656-C-T.
Other names: short protein forms R690W.
Identifiers: ClinVar variation 356333 (VCV000356333.10), dbSNP rs751980634, ClinGen allele CA3729678.